The following is an entry in ClinVar:

ClinVar aggregate classification (germline): Uncertain significance (1 of 4 stars; one submission).

Submission:

Labcorp Genetics (formerly Invitae), Labcorp
Classification: Uncertain significance. Last evaluated: 2021-06-20. Review status: criteria provided, single submitter. Criteria: Invitae Variant Classification Sherloc (09022015). Collection method: clinical testing. Allele origin: germline.
Comment: In summary, the available evidence is currently insufficient to determine the role of this variant in disease. Therefore, it has been classified as a Variant of Uncertain Significance. Algorithms developed to predict the effect of missense changes on protein structure and function (SIFT, PolyPhen-2, Align-GVGD) all suggest that this variant is likely to be tolerated, but these predictions have not been confirmed by published functional studies and their clinical significance is uncertain. This variant has not been reported in the literature in individuals with DEF6-related conditions. This variant is not present in population databases (ExAC no frequency). This sequence change replaces alanine with threonine at codon 408 of the DEF6 protein (p.Ala408Thr). The alanine residue is moderately conserved and there is a small physicochemical difference between alanine and threonine.

NM_022047.4(DEF6):c.1222G>A (p.Ala408Thr)

Gene: DEF6 (DEF6 guanine nucleotide exchange factor; plus strand). Cytogenetic location: 6p21.31.
Variant type: single nucleotide variant.
Coding change: c.1222G>A on transcript NM_022047.4 (MANE Select); coding-DNA position 1222, G replaced by A.
Protein change: p.Ala408Thr; replaces alanine 408 with threonine.
Molecular consequence: missense variant.
Genome position (GRCh38, 1-based): chr6:35,319,530, G>A. VCF-style: chr6-35319530-G-A. GRCh37 (hg19) VCF-style: chr6-35287307-G-A.
Other names: short protein forms A408T.
Identifiers: ClinVar variation 1402027 (VCV001402027.8), dbSNP rs2150389195, ClinGen allele CA363767706.